The following continues an entry in ClinVar:

NM_024675.4(PALB2):c.833_834delinsAT (p.Leu278His)

Gene: PALB2. ClinVar aggregate classification (germline): Conflicting classifications of pathogenicity. Uncertain significance (10); Likely benign (3).

Submissions 9 to 16 of 16:

Myriad Genetics, Inc.
Classification: Likely benign for Familial cancer of breast. Last evaluated: 2023-03-31. Review status: criteria provided, single submitter. Criteria: Myriad Autosomal Dominant, Autosomal Recessive and X-Linked Classification Criteria (2023). Collection method: clinical testing. Allele origin: unknown.
Comment: This variant is considered likely benign. This variant is strongly associated with less severe personal and family histories of cancer, typical for individuals without pathogenic variants in this gene [PMID: 25085752].

GeneDx
Classification: Uncertain significance. Last evaluated: 2023-03-07. Review status: criteria provided, single submitter. Criteria: GeneDx Variant Classification Process June 2021. Collection method: clinical testing. Allele origin: germline. Affected: yes.
Comment: In silico analysis supports that this variant does not alter protein structure/function; Identified in individuals with breast or gastric cancer, but also in unaffected controls (Carreo et al., 2020; Dorling et al., 2021; Moradian et al., 2021; Muhammad et al., 2022; Subaolu et al., 2023); This variant is associated with the following publications: (PMID: 31159747, 33512806, 24728327, 33558524, 19369211, 33471991, 36605468, 36175305)

Fulgent Genetics
Classification: Uncertain significance for Familial cancer of breast; Fanconi anemia complementation group N; Pancreatic cancer, susceptibility to, 3. Last evaluated: 2022-03-22. Review status: criteria provided, single submitter. Criteria: ACMG Guidelines, 2015. Collection method: clinical testing. Allele origin: unknown.

Ambry Genetics
Classification: Likely benign for Hereditary cancer-predisposing syndrome. Last evaluated: 2021-07-15. Review status: criteria provided, single submitter. Criteria: Ambry Variant Classification Scheme 2023. Collection method: clinical testing. Allele origin: germline.

GeneKor MSA
Classification: Uncertain significance for Hereditary cancer-predisposing syndrome. Last evaluated: 2018-08-01. Review status: criteria provided, single submitter. Criteria: ACMG Guidelines, 2015. Collection method: clinical testing. Allele origin: germline.

Center of Medical Genetics and Primary Health Care
Classification: Uncertain significance for Breast Cancer. Last evaluated: 2020-04-08. Review status: no assertion criteria provided. Collection method: research. Allele origin: germline. Affected: yes. Observed: 1 heterozygote. Not counted in ClinVar's aggregate classification.
Comment: ACMG Guidelines 2015 criteria PM1 Pathogenic Moderate: A non-functional domain (200- 394 aa) between DNA binding and CHAM functional domains. Hot-spot has 21 non-VUS coding variants (12 pathogenic and 9 benign), pathogenicity = 57.1%, proximity score 6.742 > threshold 2.472. PM2 Pathogenic Moderate: Variant not found in GnomAD exomes. Variant not found in GnomAD genomes. Therefore, it has been classified as a Variant of Uncertain Significance.

Counsyl
Classification: Uncertain significance for Familial cancer of breast. Last evaluated: 2016-03-10. Review status: no assertion criteria provided. Collection method: clinical testing. Allele origin: unknown. Not counted in ClinVar's aggregate classification.

ITMI
No classification provided. Condition: AllHighlyPenetrant. Last evaluated: 2013-09-19. Review status: no classification provided. Collection method: reference population. Allele origin: germline. Not counted in ClinVar's aggregate classification.
Comment: Please see associated publication for description of ethnicities

Literature cited by the submitters: PubMed 31159747 (cited by 4 submitters); PubMed 33512806 (cited by 4 submitters); PubMed 33558524 (cited by 5 submitters); PubMed 36175305 (cited by Labcorp Genetics (formerly Invitae), Labcorp and Quest Diagnostics Nichols Institute San Juan Capistrano); PubMed 36605468 (cited by Labcorp Genetics (formerly Invitae), Labcorp and Quest Diagnostics Nichols Institute San Juan Capistrano); PubMed 31422574 (cited by Quest Diagnostics Nichols Institute San Juan Capistrano and Color Diagnostics, LLC DBA Color Health); PubMed 38153744 (cited by Quest Diagnostics Nichols Institute San Juan Capistrano); PubMed 24728327 (cited by 3 submitters); PubMed 33471991 (cited by 3 submitters); PubMed 25085752 (cited by Myriad Genetics, Inc.).